The following is an entry in ClinVar:

ClinVar aggregate classification (germline): Pathogenic (1 of 4 stars; one submission).

Conditions:
Hereditary cancer-predisposing syndrome. Also called: Tumor predisposition; Hereditary Cancer Syndrome; Neoplastic Syndromes, Hereditary; Hereditary neoplastic syndrome. Identifiers: Orphanet 140162, MedGen C0027672, MeSH D009386, MONDO:0015356.

Submission:

Ambry Genetics
Classification: Pathogenic for Hereditary cancer-predisposing syndrome. Last evaluated: 2021-02-03. Review status: criteria provided, single submitter. Criteria: Ambry Variant Classification Scheme 2023. Collection method: clinical testing. Allele origin: germline.
Comment: The c.272_278delCCCCCTG variant, located in coding exon 1 of the CHEK2 gene, results from a deletion of 7 nucleotides at nucleotide positions 272 to 278, causing a translational frameshift with a predicted alternate stop codon (p.A91Gfs*17). This alteration is expected to result in loss of function by premature protein truncation or nonsense-mediated mRNA decay. As such, this alteration is interpreted as a disease-causing mutation.

NM_007194.4(CHEK2):c.272_278del (p.Ala91fs)

Gene: CHEK2 (checkpoint kinase 2; minus strand). Cytogenetic location: 22q12.1.
Variant type: Deletion.
Coding change: c.272_278del on transcript NM_007194.4 (MANE Select); coding-DNA positions 272 to 278, 7 bases deleted (CCCCCTG; older notation c.272_278delCCCCCTG).
Protein change: p.Ala91fs; shifts the reading frame from alanine 91.
Molecular consequence: frameshift variant.
Genome position (GRCh38, 1-based): chr22:28,734,444-28,734,450, CAGGGGG deleted on the plus strand (CCCCCTG on the coding strand, the reverse complement: CHEK2 is on the minus strand); deleting any 7 consecutive bases within chr22:28,734,444-28,734,456 gives the same sequence; the c. name uses the placement nearest the transcript's 3' end. VCF-style (leftmost placement, unchanged base first): chr22-28734443-CCAGGGGG-C. GRCh37 (hg19) VCF-style: chr22-29130431-CCAGGGGG-C.
Other names: c.266_272delCCCCTGC, p.Ala91Glyfs (NM_001005735.3, NM_001349956.3, NM_145862.3); c.-512_-506delCCCCTGC (NM_001257387.3); short protein forms A91fs.
Identifiers: ClinVar variation 1795187 (VCV001795187.2), dbSNP rs2518127641, ClinGen allele CA2580099392.